The following is an entry in ClinVar:

NM_024537.4(CARS2):c.1055-318C>T

Gene: CARS2 (cysteinyl-tRNA synthetase 2, mitochondrial; minus strand). Cytogenetic location: 13q34.
Variant type: single nucleotide variant.
Coding change: c.1055-318C>T on transcript NM_024537.4 (MANE Select); 318 bases into the intron before coding-DNA position 1055, C replaced by T.
Molecular consequence: intron variant.
Genome position (GRCh38, 1-based): chr13:110,647,557, G>A on the plus strand (C>T on the coding strand, the complement: CARS2 is on the minus strand). VCF-style: chr13-110647557-G-A. GRCh37 (hg19) VCF-style: chr13-111299904-G-A.
Other names: c.269-318C>T (NM_001352252.2).
Identifiers: ClinVar variation 673661 (VCV000673661.1), dbSNP rs55634468, ClinGen allele CA13880760.
Genomic context (GRCh38, chr13:110,647,557, plus strand): 5'-AGAGGTGCATTTCCACTGACTGGATGGAGGTGCGGATGAATGGCTGGCTCTGGAAAGAAG[G>A]AGCCCCGCCCTGGATGGATGGAGGTGCGGATGAATGGCTAGCTCTGGAAAGAGGGAGCCC-3'

ClinVar aggregate classification (germline): Benign (1 of 4 stars; one submission).

Allele frequency attached by ClinVar (database versions not stated): gnomAD 0.03651 and 0.03938; TOPMed 0.03881; 1000 Genomes Project 0.04253; 1000 Genomes Project 30x 0.04560.
gnomAD v4.1: 5,497 of 151,996 alleles (3.6%); highest among the groups gnomAD compares: African/African-American, 13%; 365 homozygotes.

Submission:

GeneDx
Classification: Benign. Last evaluated: 2018-06-16. Review status: criteria provided, single submitter. Criteria: GeneDx Variant Classification (06012015). Collection method: clinical testing. Allele origin: germline. Affected: yes.
Comment: This variant is considered likely benign or benign based on one or more of the following criteria: it is a conservative change, it occurs at a poorly conserved position in the protein, it is predicted to be benign by multiple in silico algorithms, and/or has population frequency not consistent with disease.